The following is an entry in ClinVar:

ClinVar aggregate classification (germline): Benign/Likely benign. Review status: criteria provided, multiple submitters, no conflicts (2 of 4 stars). 5 submissions from 5 submitters: Benign (3); Likely benign (1). 1 of the submissions does not count toward it. Last evaluated 2026-02-03.

Conditions:
TCF3-related disorder. Also called: TCF3-related condition.

Allele frequency attached by ClinVar (database versions not stated): gnomAD exomes 0.00414; ExAC 0.00922; ESP Exome Variant Server 0.01350; gnomAD 0.01580 and 0.01640; 1000 Genomes Project 0.01657; TOPMed 0.01680; 1000 Genomes Project 30x 0.01843.
gnomAD v4.1: 4,133 of 1,293,200 alleles (0.32%); highest among the groups gnomAD compares: African/African-American, 5.8%; 107 homozygotes.

Submissions (5):

Labcorp Genetics (formerly Invitae), Labcorp
Classification: Benign. Last evaluated: 2026-02-03. Review status: criteria provided, single submitter. Criteria: Invitae Variant Classification Sherloc (09022015). Collection method: clinical testing. Allele origin: germline.

Women's Health and Genetics/Laboratory Corporation of America, LabCorp
Classification: Likely benign. Last evaluated: 2026-01-22. Review status: criteria provided, single submitter. Criteria: LabCorp Variant Classification Summary - May 2015. Collection method: clinical testing. Allele origin: germline.

ARUP Laboratories, Molecular Genetics and Genomics, ARUP Laboratories
Classification: Benign. Last evaluated: 2023-11-06. Review status: criteria provided, single submitter. Criteria: ARUP Molecular Germline Variant Investigation Process 2024. Collection method: clinical testing. Allele origin: germline.

Breakthrough Genomics
Classification: Benign. Review status: criteria provided, single submitter. Criteria: ACMG Guidelines, 2015. Collection method: not provided. Allele origin: germline. Inheritance: Autosomal recessive inheritance. Affected: yes.

PreventionGenetics, part of Exact Sciences
Classification: Likely benign for TCF3-related condition. Last evaluated: 2020-02-07. Review status: no assertion criteria provided. Collection method: clinical testing. Allele origin: germline. Not counted in ClinVar's aggregate classification.
Comment: This variant is classified as likely benign based on ACMG/AMP sequence variant interpretation guidelines (Richards et al. 2015 PMID: 25741868, with internal and published modifications).

NM_003200.5(TCF3):c.592A>G (p.Thr198Ala)

Gene: TCF3 (transcription factor 3; minus strand). Cytogenetic location: 19p13.3.
Variant type: single nucleotide variant.
Coding change: c.592A>G on transcript NM_003200.5 (MANE Select); coding-DNA position 592, A replaced by G.
Protein change: p.Thr198Ala; replaces threonine 198 with alanine.
Molecular consequence: missense variant.
Genome position (GRCh38, 1-based): chr19:1,622,373, T>C on the plus strand (A>G on the coding strand, the complement: TCF3 is on the minus strand). VCF-style: chr19-1622373-T-C. GRCh37 (hg19) VCF-style: chr19-1622372-T-C.
Other names: c.592A>G, p.Thr198Ala (NM_001136139.4, NM_001351778.2, NM_001351779.2); short protein forms T198A.
Identifiers: ClinVar variation 777354 (VCV000777354.26), dbSNP rs11879402, ClinGen allele CA9050302.